The following is an entry in ClinVar:

ClinVar aggregate classification (germline): Uncertain significance (1 of 4 stars; one submission).

Submission:

GeneDx
Classification: Uncertain significance. Last evaluated: 2024-11-08. Review status: criteria provided, single submitter. Criteria: GeneDx Variant Classification Process June 2021. Collection method: clinical testing. Allele origin: germline. Affected: yes.
Comment: Not observed at significant frequency in large population cohorts (gnomAD); In silico analysis supports that this missense variant has a deleterious effect on protein structure/function; Has not been previously published as pathogenic or benign to our knowledge

NM_001110556.2(FLNA):c.6610C>T (p.Pro2204Ser)

Gene: FLNA (filamin A; minus strand). Cytogenetic location: Xq28.
Variant type: single nucleotide variant.
Coding change: c.6610C>T on transcript NM_001110556.2 (MANE Select); coding-DNA position 6610, C replaced by T.
Protein change: p.Pro2204Ser; replaces proline 2204 with serine.
Molecular consequence: missense variant.
Genome position (GRCh38, 1-based): chrX:154,352,340, G>A on the plus strand (C>T on the coding strand, the complement: FLNA is on the minus strand). VCF-style: chrX-154352340-G-A. GRCh37 (hg19) VCF-style: chrX-153580708-G-A.
Other names: c.6586C>T, p.Pro2196Ser (NM_001456.4); short protein forms P2196S, P2204S.
Identifiers: ClinVar variation 3900362 (VCV003900362.1).